The following is an entry in ClinVar:

NM_006294.5(UQCRB):c.258+7C>T

Gene: UQCRB (ubiquinol-cytochrome c reductase binding protein; minus strand). Cytogenetic location: 8q22.1.
Variant type: single nucleotide variant.
Coding change: c.258+7C>T on transcript NM_006294.5 (MANE Select); 7 bases into the intron after coding-DNA position 258, C replaced by T.
Molecular consequence: intron variant.
Genome position (GRCh38, 1-based): chr8:96,231,767, G>A on the plus strand (C>T on the coding strand, the complement: UQCRB is on the minus strand). VCF-style: chr8-96231767-G-A. GRCh37 (hg19) VCF-style: chr8-97243995-G-A.
Other names: c.258+7C>T (NM_001254752.2); c.162+7C>T (NM_001199975.3).
Identifiers: ClinVar variation 514264 (VCV000514264.2), dbSNP rs370012842, ClinGen allele CA4815897.

ClinVar aggregate classification (germline): Likely benign. Review status: criteria provided, multiple submitters, no conflicts (2 of 4 stars). 2 submissions from 2 submitters: Likely benign (2). Last evaluated 2025-10-08.

Allele frequency attached by ClinVar (database versions not stated): ExAC 0.00007; TOPMed 0.00009; gnomAD exomes 0.00011 and 0.00027; gnomAD 0.00014; ESP Exome Variant Server 0.00015.

Submissions (2):

Labcorp Genetics (formerly Invitae), Labcorp
Classification: Likely benign. Last evaluated: 2025-10-08. Review status: criteria provided, single submitter. Criteria: Invitae Variant Classification Sherloc (09022015). Collection method: clinical testing. Allele origin: germline.

GeneDx
Classification: Likely benign. Last evaluated: 2018-01-04. Review status: criteria provided, single submitter. Criteria: GeneDx Variant Classification (06012015). Collection method: clinical testing. Allele origin: germline. Affected: yes.
Comment: This variant is considered likely benign or benign based on one or more of the following criteria: it is a conservative change, it occurs at a poorly conserved position in the protein, it is predicted to be benign by multiple in silico algorithms, and/or has population frequency not consistent with disease.